The following is an entry in ClinVar:

ClinVar aggregate classification (germline): Pathogenic (1 of 4 stars; one submission).

Submission:

Labcorp Genetics (formerly Invitae), Labcorp
Classification: Pathogenic. Last evaluated: 2024-01-29. Review status: criteria provided, single submitter. Criteria: Invitae Variant Classification Sherloc (09022015). Collection method: clinical testing. Allele origin: germline.
Comment: This sequence change creates a premature translational stop signal (p.Leu86Profs*7) in the COL4A3 gene. It is expected to result in an absent or disrupted protein product. Loss-of-function variants in COL4A3 are known to be pathogenic (PMID: 8956999, 24854265, 26809805, 27281700). This variant is not present in population databases (gnomAD no frequency). This variant has not been reported in the literature in individuals affected with COL4A3-related conditions. For these reasons, this variant has been classified as Pathogenic.

Literature cited by the submitters: PubMed 8956999; PubMed 24854265; PubMed 26809805; PubMed 27281700.

NM_000091.5(COL4A3):c.257del (p.Leu86fs)

Genes: COL4A3 (collagen type IV alpha 3 chain; plus strand), MFF-DT (MFF divergent transcript; minus strand). Cytogenetic location: 2q36.3.
Variant type: Deletion.
Coding change: c.257del on transcript NM_000091.5 (MANE Select); coding-DNA position 257, one base deleted (T; older notation c.257delT).
Protein change: p.Leu86fs; shifts the reading frame from leucine 86.
Molecular consequence: frameshift variant.
Genome position (GRCh38, 1-based): chr2:227,244,342, T deleted. VCF-style (leftmost placement, unchanged base first): chr2-227244341-CT-C. GRCh37 (hg19) VCF-style: chr2-228109057-CT-C.
Other names: short protein forms L86fs.
Identifiers: ClinVar variation 2714105 (VCV002714105.3), dbSNP rs2469489120, ClinGen allele CA2697550528.